The following is an entry in ClinVar:

ClinVar aggregate classification (germline): Uncertain significance (1 of 4 stars; one submission).

Conditions:
Mucopolysaccharidosis type 1. Also called: IDUA deficiency; MPS I. Identifiers: Orphanet 579, MedGen C0023786, MONDO:0001586.

Allele frequency attached by ClinVar (database versions not stated): gnomAD exomes below 0.00001; ExAC 0.00001.
gnomAD v4.1: 1 of 1,610,436 alleles (0.000062%); highest among the groups gnomAD compares: Non-Finnish European, 0.000085%; no homozygotes.

Submission:

Labcorp Genetics (formerly Invitae), Labcorp
Classification: Uncertain significance for Mucopolysaccharidosis type 1. Last evaluated: 2021-09-02. Review status: criteria provided, single submitter. Criteria: Invitae Variant Classification Sherloc (09022015). Collection method: clinical testing. Allele origin: germline.
Comment: This sequence change replaces glycine with aspartic acid at codon 651 of the IDUA protein (p.Gly651Asp). The glycine residue is weakly conserved and there is a moderate physicochemical difference between glycine and aspartic acid. This variant is present in population databases (rs750609855, ExAC 0.002%). This variant has not been reported in the literature in individuals affected with IDUA-related conditions. Advanced modeling of protein sequence and biophysical properties (such as structural, functional, and spatial information, amino acid conservation, physicochemical variation, residue mobility, and thermodynamic stability) performed at Invitae indicates that this missense variant is not expected to disrupt IDUA protein function. In summary, the available evidence is currently insufficient to determine the role of this variant in disease. Therefore, it has been classified as a Variant of Uncertain Significance.

NM_000203.5(IDUA):c.1952G>A (p.Gly651Asp)

Gene: IDUA (alpha-L-iduronidase; plus strand). Cytogenetic location: 4p16.3.
Variant type: single nucleotide variant.
Coding change: c.1952G>A on transcript NM_000203.5 (MANE Select); coding-DNA position 1952, G replaced by A.
Protein change: p.Gly651Asp; replaces glycine 651 with aspartic acid.
Molecular consequence: missense variant. On other transcripts: non-coding transcript variant (1).
Genome position (GRCh38, 1-based): chr4:1,004,383, G>A. VCF-style: chr4-1004383-G-A. GRCh37 (hg19) VCF-style: chr4-998171-G-A.
Other names: c.1556G>A, p.Gly519Asp (NM_001363576.1); short protein forms G651D, G519D.
Identifiers: ClinVar variation 1434665 (VCV001434665.5), dbSNP rs750609855, ClinGen allele CA2802485.